The following is an entry in ClinVar:

ClinVar aggregate classification (germline): Uncertain significance (1 of 4 stars; one submission).

Conditions:
Carnitine palmitoyl transferase 1A deficiency. Also called: Carnitine palmitoyltransferase type I deficiency; CPT I DEFICIENCY; CPT DEFICIENCY, HEPATIC, TYPE I; Carnitine palmitoyltransferase 1A deficiency; CPT deficiency, hepatic, type IA. Identifiers: Orphanet 156, MedGen C1829703, MONDO:0009705, OMIM 255120.

Allele frequency attached by ClinVar (database versions not stated): ExAC 0.00001; gnomAD exomes 0.00003; gnomAD 0.00004; TOPMed 0.00006; ESP Exome Variant Server 0.00008.
gnomAD v4.1: 54 of 1,613,928 alleles (0.0033%); highest among the groups gnomAD compares: Non-Finnish European, 0.0039%; no homozygotes.

Submission:

Labcorp Genetics (formerly Invitae), Labcorp
Classification: Uncertain significance for Carnitine palmitoyl transferase 1A deficiency. Last evaluated: 2022-03-20. Review status: criteria provided, single submitter. Criteria: Invitae Variant Classification Sherloc (09022015). Collection method: clinical testing. Allele origin: germline.
Comment: This sequence change replaces methionine, which is neutral and non-polar, with threonine, which is neutral and polar, at codon 97 of the CPT1A protein (p.Met97Thr). This variant is present in population databases (rs376120378, gnomAD 0.003%). This missense change has been observed in individual(s) with a positive newborn screening result for CPT1A-related disease (Invitae). Algorithms developed to predict the effect of missense changes on protein structure and function (SIFT, PolyPhen-2, Align-GVGD) all suggest that this variant is likely to be tolerated. In summary, the available evidence is currently insufficient to determine the role of this variant in disease. Therefore, it has been classified as a Variant of Uncertain Significance.

NM_001876.4(CPT1A):c.290T>C (p.Met97Thr)

Gene: CPT1A (carnitine palmitoyltransferase 1A; minus strand). Cytogenetic location: 11q13.3.
Variant type: single nucleotide variant.
Coding change: c.290T>C on transcript NM_001876.4 (MANE Select); coding-DNA position 290, T replaced by C.
Protein change: p.Met97Thr; replaces methionine 97 with threonine.
Molecular consequence: missense variant.
Genome position (GRCh38, 1-based): chr11:68,807,630, A>G on the plus strand (T>C on the coding strand, the complement: CPT1A is on the minus strand). VCF-style: chr11-68807630-A-G. GRCh37 (hg19) VCF-style: chr11-68575098-A-G.
Other names: c.290T>C, p.Met97Thr (NM_001031847.3); short protein forms M97T.
Identifiers: ClinVar variation 2202684 (VCV002202684.1), dbSNP rs376120378, ClinGen allele CA6152714.
Genomic context (GRCh38, chr11:68,807,630, plus strand): 5'-GCCACCCACAGGCCGGTGCCAAACAGCACGCCGCTGACCACGTTCTTCGTCTGGCTGGAC[A>G]TGCAGTTGCTGTGGAGACAGACCCAGACAAGGGAGGCTGTGCGTGAGGCCACACGGTGCC-3'
Protein context (NP_001867.2, residues 87-107): INRTLETANC[Met97Thr]SSQTKNVVSG